The following is an entry in ClinVar:

NM_015557.3(CHD5):c.4817A>G (p.Asp1606Gly)

Gene: CHD5 (chromodomain helicase DNA binding protein 5; minus strand). Cytogenetic location: 1p36.31.
Variant type: single nucleotide variant.
Coding change: c.4817A>G on transcript NM_015557.3 (MANE Select); coding-DNA position 4817, A replaced by G.
Protein change: p.Asp1606Gly; replaces aspartic acid 1606 with glycine.
Molecular consequence: missense variant.
Genome position (GRCh38, 1-based): chr1:6,121,200, T>C on the plus strand (A>G on the coding strand, the complement: CHD5 is on the minus strand). VCF-style: chr1-6121200-T-C. GRCh37 (hg19) VCF-style: chr1-6181260-T-C.
Other names: short protein forms D1606G.
Identifiers: ClinVar variation 5020260 (VCV005020260.1).

ClinVar aggregate classification (germline): Uncertain significance (1 of 4 stars; one submission).

gnomAD v4.1: 1 of 1,613,872 alleles (0.000062%); highest among the groups gnomAD compares: Non-Finnish European, 0.000085%; no homozygotes.

Submission:

Dasa
Classification: Uncertain significance. Last evaluated: 2026-07-04. Review status: criteria provided, single submitter. Criteria: DASA Assertion Criteria. Collection method: clinical testing. Allele origin: germline.
Comment: NM_015557.3(CHD5):c.4817A>G (p.Asp1606Gly) is a missense variant that results in the substitution of aspartic acid with glycine. This variant is rare in population databases. Computational prediction algorithms are consistent with a benign effect. The currently available literature and clinical evidence are not sufficient to establish a definitive association between this variant and the reported condition. Therefore, this variant is classified as a variant of uncertain significance.